The following is an entry in ClinVar:

ClinVar aggregate classification (germline): Uncertain significance (1 of 4 stars; one submission).

gnomAD v4.1: 24 of 1,614,056 alleles (0.0015%); highest among the groups gnomAD compares: Admixed American, 0.005%; no homozygotes.

Submission:

GeneDx
Classification: Uncertain significance. Last evaluated: 2024-05-10. Review status: criteria provided, single submitter. Criteria: GeneDx Variant Classification Process June 2021. Collection method: clinical testing. Allele origin: germline. Affected: yes.
Comment: In silico analysis supports that this missense variant has a deleterious effect on protein structure/function; Has not been previously published as pathogenic or benign to our knowledge

NM_006045.3(ATP9A):c.1946C>T (p.Thr649Met)

Gene: ATP9A (ATPase phospholipid transporting 9A (putative); minus strand). Cytogenetic location: 20q13.2.
Variant type: single nucleotide variant.
Coding change: c.1946C>T on transcript NM_006045.3 (MANE Select); coding-DNA position 1946, C replaced by T.
Protein change: p.Thr649Met; replaces threonine 649 with methionine.
Molecular consequence: missense variant.
Genome position (GRCh38, 1-based): chr20:51,625,262, G>A on the plus strand (C>T on the coding strand, the complement: ATP9A is on the minus strand). VCF-style: chr20-51625262-G-A. GRCh37 (hg19) VCF-style: chr20-50241801-G-A.
Other names: short protein forms T649M.
Identifiers: ClinVar variation 3375703 (VCV003375703.1).